The following is an entry in ClinVar:

NM_015102.5(NPHP4):c.1106G>T (p.Gly369Val)

Gene: NPHP4 (nephrocystin 4; minus strand). Cytogenetic location: 1p36.31.
Variant type: single nucleotide variant.
Coding change: c.1106G>T on transcript NM_015102.5 (MANE Select); coding-DNA position 1106, G replaced by T.
Protein change: p.Gly369Val; replaces glycine 369 with valine.
Molecular consequence: missense variant. On other transcripts: 5 prime UTR variant (2), non-coding transcript variant (1).
Genome position (GRCh38, 1-based): chr1:5,947,117, C>A on the plus strand (G>T on the coding strand, the complement: NPHP4 is on the minus strand). VCF-style: chr1-5947117-C-A. GRCh37 (hg19) VCF-style: chr1-6007177-C-A.
Other names: c.-261G>T (NM_001291593.2, NM_001291594.2); short protein forms G369V.
Identifiers: ClinVar variation 1422363 (VCV001422363.5), dbSNP rs758027686, ClinGen allele CA554642.

ClinVar aggregate classification (germline): Uncertain significance (1 of 4 stars; one submission).

Conditions:
Nephronophthisis. Also called: Juvenile Nephronophthisis. Identifiers: Orphanet 655, MedGen C0687120, MONDO:0019005, HP:0000090.

Allele frequency attached by ClinVar (database versions not stated): gnomAD exomes below 0.00001; ExAC 0.00001; TOPMed 0.00002; gnomAD 0.00005 and 0.00006.
gnomAD v4.1: 12 of 1,613,884 alleles (0.00074%); highest among the groups gnomAD compares: African/African-American, 0.016%; no homozygotes.

Submission:

Labcorp Genetics (formerly Invitae), Labcorp
Classification: Uncertain significance for Nephronophthisis. Last evaluated: 2021-08-28. Review status: criteria provided, single submitter. Criteria: Invitae Variant Classification Sherloc (09022015). Collection method: clinical testing. Allele origin: germline.
Comment: This sequence change replaces glycine with valine at codon 369 of the NPHP4 protein (p.Gly369Val). The glycine residue is moderately conserved and there is a moderate physicochemical difference between glycine and valine. This variant is present in population databases (rs758027686, ExAC 0.01%). This variant has not been reported in the literature in individuals affected with NPHP4-related conditions. Algorithms developed to predict the effect of missense changes on protein structure and function are either unavailable or do not agree on the potential impact of this missense change (SIFT: "Deleterious"; PolyPhen-2: "Benign"; Align-GVGD: "Class C0"). In summary, the available evidence is currently insufficient to determine the role of this variant in disease. Therefore, it has been classified as a Variant of Uncertain Significance.